The following is an entry in ClinVar:

NM_004423.4(DVL3):c.1859C>A (p.Ala620Glu)

Gene: DVL3 (dishevelled segment polarity protein 3; plus strand). Cytogenetic location: 3q27.1.
Variant type: single nucleotide variant.
Coding change: c.1859C>A on transcript NM_004423.4 (MANE Select); coding-DNA position 1859, C replaced by A.
Protein change: p.Ala620Glu; replaces alanine 620 with glutamic acid.
Molecular consequence: missense variant.
Genome position (GRCh38, 1-based): chr3:184,170,463, C>A. VCF-style: chr3-184170463-C-A. GRCh37 (hg19) VCF-style: chr3-183888251-C-A.
Other names: short protein forms A620E.
Identifiers: ClinVar variation 1349960 (VCV001349960.8), dbSNP rs760864867, ClinGen allele CA355416063.

ClinVar aggregate classification (germline): Uncertain significance (1 of 4 stars; one submission).

Submission:

Labcorp Genetics (formerly Invitae), Labcorp
Classification: Uncertain significance. Last evaluated: 2025-04-14. Review status: criteria provided, single submitter. Criteria: Invitae Variant Classification Sherloc (09022015). Collection method: clinical testing. Allele origin: germline.
Comment: This sequence change replaces alanine, which is neutral and non-polar, with glutamic acid, which is acidic and polar, at codon 620 of the DVL3 protein (p.Ala620Glu). This variant is not present in population databases (gnomAD no frequency). This variant has not been reported in the literature in individuals affected with DVL3-related conditions. ClinVar contains an entry for this variant (Variation ID: 1349960). Invitae Evidence Modeling of protein sequence and biophysical properties (such as structural, functional, and spatial information, amino acid conservation, physicochemical variation, residue mobility, and thermodynamic stability) indicates that this missense variant is not expected to disrupt DVL3 protein function with a negative predictive value of 80%. In summary, the available evidence is currently insufficient to determine the role of this variant in disease. Therefore, it has been classified as a Variant of Uncertain Significance.